The following is an entry in ClinVar:

NM_024334.3(TMEM43):c.185C>T (p.Thr62Ile)

Gene: TMEM43 (transmembrane protein 43; plus strand). Cytogenetic location: 3p25.1.
Variant type: single nucleotide variant.
Coding change: c.185C>T on transcript NM_024334.3 (MANE Select); coding-DNA position 185, C replaced by T.
Protein change: p.Thr62Ile; replaces threonine 62 with isoleucine.
Molecular consequence: missense variant.
Genome position (GRCh38, 1-based): chr3:14,130,844, C>T. VCF-style: chr3-14130844-C-T. GRCh37 (hg19) VCF-style: chr3-14172344-C-T.
Other names: c.185C>T, p.Thr62Ile (NM_001407274.1, NM_001407275.1, NM_001407276.1 and 2 more transcripts); c.170C>T, p.Thr57Ile (NM_001407278.1); c.35C>T, p.Thr12Ile (NM_001407280.1); short protein forms T57I, T12I, T62I.
Identifiers: ClinVar variation 2774591 (VCV002774591.2), dbSNP rs2470179237, ClinGen allele CA351534526.

ClinVar aggregate classification (germline): Uncertain significance (1 of 4 stars; one submission).

Conditions:
Cardiomyopathy (CMYO). Also called: Cardiomyopathies. Identifiers: Orphanet 167848, MedGen C0878544, MONDO:0004994, HP:0001638. Inheritance: Various modes of inheritance.

Submission:

Color Diagnostics, LLC DBA Color Health
Classification: Uncertain significance for Cardiomyopathy. Last evaluated: 2024-03-06. Review status: criteria provided, single submitter. Criteria: ACMG Guidelines, 2015. Collection method: clinical testing. Allele origin: germline.
Comment: This missense variant replaces threonine with isoleucine at codon 62 of the TMEM43 protein. Computational prediction suggests that this variant may not impact protein structure and function (internally defined REVEL score threshold <= 0.5, PMID: 27666373). To our knowledge, functional studies have not been reported for this variant. This variant has not been reported in individuals affected with cardiovascular disorders in the literature. This variant has not been identified in the general population by the Genome Aggregation Database (gnomAD). The available evidence is insufficient to determine the role of this variant in disease conclusively. Therefore, this variant is classified as a Variant of Uncertain Significance.